The following is an entry in ClinVar:

NM_020937.4(FANCM):c.754A>C (p.Ile252Leu)

Gene: FANCM (FA complementation group M; plus strand). Cytogenetic location: 14q21.2.
Variant type: single nucleotide variant.
Coding change: c.754A>C on transcript NM_020937.4 (MANE Select); coding-DNA position 754, A replaced by C.
Protein change: p.Ile252Leu; replaces isoleucine 252 with leucine.
Molecular consequence: missense variant. On other transcripts: intron variant (1).
Genome position (GRCh38, 1-based): chr14:45,140,704, A>C. VCF-style: chr14-45140704-A-C. GRCh37 (hg19) VCF-style: chr14-45609907-A-C.
Other names: c.754A>C, p.Ile252Leu (NM_001308134.2); c.681+3463A>C (NM_001308133.2); short protein forms I252L.
Identifiers: ClinVar variation 1800473 (VCV001800473.1), dbSNP rs752500026, ClinGen allele CA7168840.

ClinVar aggregate classification (germline): Uncertain significance (1 of 4 stars; one submission).

Allele frequency attached by ClinVar (database versions not stated): gnomAD exomes below 0.00001; ExAC 0.00001.
gnomAD v4.1: 1 of 1,574,556 alleles (0.000064%); highest among the groups gnomAD compares: Non-Finnish European, 0.000087%; no homozygotes.

Submission:

GeneDx
Classification: Uncertain significance. Last evaluated: 2022-05-18. Review status: criteria provided, single submitter. Criteria: GeneDx Variant Classification Process June 2021. Collection method: clinical testing. Allele origin: germline. Affected: yes.
Comment: Not observed at significant frequency in large population cohorts (gnomAD); In silico analysis supports that this missense variant does not alter protein structure/function; Has not been previously published as pathogenic or benign to our knowledge